The following is an entry in ClinVar:

NM_016247.4(IMPG2):c.2050G>A (p.Gly684Arg)

Gene: IMPG2 (interphotoreceptor matrix proteoglycan 2; minus strand). Cytogenetic location: 3q12.3.
Variant type: single nucleotide variant.
Coding change: c.2050G>A on transcript NM_016247.4 (MANE Select); coding-DNA position 2050, G replaced by A.
Protein change: p.Gly684Arg; replaces glycine 684 with arginine.
Molecular consequence: missense variant.
Genome position (GRCh38, 1-based): chr3:101,244,281, C>T on the plus strand (G>A on the coding strand, the complement: IMPG2 is on the minus strand). VCF-style: chr3-101244281-C-T. GRCh37 (hg19) VCF-style: chr3-100963125-C-T.
Other names: short protein forms G684R.
Identifiers: ClinVar variation 1960816 (VCV001960816.6), dbSNP rs758509749, ClinGen allele CA2519052.

ClinVar aggregate classification (germline): Uncertain significance. Review status: criteria provided, multiple submitters, no conflicts (2 of 4 stars). 2 submissions from 2 submitters: Uncertain significance (2). Last evaluated 2022-05-13.

Conditions:
Retinitis pigmentosa 56 (RP56). Identifiers: Orphanet 791, MedGen C3150819, MONDO:0013314, OMIM 613581.
Vitelliform macular dystrophy 5. Identifiers: Orphanet 99000, MedGen C4015343, MONDO:0014509, OMIM 616152.

Allele frequency attached by ClinVar (database versions not stated): TOPMed below 0.00001; gnomAD 0.00001; gnomAD exomes 0.00001; ExAC 0.00002.
gnomAD v4.1: 13 of 1,613,890 alleles (0.00081%); highest among the groups gnomAD compares: Non-Finnish European, 0.0011%; no homozygotes.

Submissions (2):

Department of Pathology and Laboratory Medicine, Sinai Health System
Classification: Uncertain significance for Retinitis pigmentosa 56; Vitelliform macular dystrophy 5. Last evaluated: 2022-05-13. Review status: criteria provided, single submitter. Criteria: ACMG Guidelines, 2015. Collection method: research. Allele origin: germline.

Labcorp Genetics (formerly Invitae), Labcorp
Classification: Uncertain significance. Last evaluated: 2021-12-29. Review status: criteria provided, single submitter. Criteria: Invitae Variant Classification Sherloc (09022015). Collection method: clinical testing. Allele origin: germline.
Comment: Algorithms developed to predict the effect of missense changes on protein structure and function output the following: SIFT: "Tolerated"; PolyPhen-2: "Benign"; Align-GVGD: "Class C0". The arginine amino acid residue is found in multiple mammalian species, which suggests that this missense change does not adversely affect protein function. This variant has not been reported in the literature in individuals affected with IMPG2-related conditions. This variant is present in population databases (rs758509749, gnomAD 0.002%). This sequence change replaces glycine, which is neutral and non-polar, with arginine, which is basic and polar, at codon 684 of the IMPG2 protein (p.Gly684Arg). In summary, the available evidence is currently insufficient to determine the role of this variant in disease. Therefore, it has been classified as a Variant of Uncertain Significance.